The following is an entry in ClinVar:

ClinVar aggregate classification (germline): Uncertain significance. Review status: criteria provided, multiple submitters, no conflicts (2 of 4 stars). 2 submissions from 2 submitters: Uncertain significance (2). Last evaluated 2025-12-08.

Conditions:
Inborn genetic diseases. Identifiers: MedGen C0950123, MeSH D030342.

Allele frequency attached by ClinVar (database versions not stated): gnomAD 0.00001; TOPMed 0.00001.
gnomAD v4.1: 1 of 1,613,868 alleles (0.000062%); highest among the groups gnomAD compares: Admixed American, 0.0017%; no homozygotes.

Submissions (2):

Ambry Genetics
Classification: Uncertain significance for Inborn genetic diseases. Last evaluated: 2025-12-08. Review status: criteria provided, single submitter. Criteria: Ambry Variant Classification Scheme 2023. Collection method: clinical testing. Allele origin: germline.

Labcorp Genetics (formerly Invitae), Labcorp
Classification: Uncertain significance. Last evaluated: 2022-07-30. Review status: criteria provided, single submitter. Criteria: Invitae Variant Classification Sherloc (09022015). Collection method: clinical testing. Allele origin: germline.
Comment: In summary, the available evidence is currently insufficient to determine the role of this variant in disease. Therefore, it has been classified as a Variant of Uncertain Significance. Algorithms developed to predict the effect of missense changes on protein structure and function are either unavailable or do not agree on the potential impact of this missense change (SIFT: "Deleterious"; PolyPhen-2: "Benign"; Align-GVGD: "Class C0"). This variant has not been reported in the literature in individuals affected with NNT-related conditions. This variant is not present in population databases (gnomAD no frequency). This sequence change replaces glycine, which is neutral and non-polar, with aspartic acid, which is acidic and polar, at codon 282 of the NNT protein (p.Gly282Asp).

NM_182977.3(NNT):c.845G>A (p.Gly282Asp)

Gene: NNT (nicotinamide nucleotide transhydrogenase; plus strand). Cytogenetic location: 5p12.
Variant type: single nucleotide variant.
Coding change: c.845G>A on transcript NM_182977.3 (MANE Select); coding-DNA position 845, G replaced by A.
Protein change: p.Gly282Asp; replaces glycine 282 with aspartic acid.
Molecular consequence: missense variant.
Genome position (GRCh38, 1-based): chr5:43,628,268, G>A. VCF-style: chr5-43628268-G-A. GRCh37 (hg19) VCF-style: chr5-43628370-G-A.
Other names: c.845G>A (NM_012343.3); c.452G>A, p.Gly151Asp (NM_001331026.2); c.845G>A, p.Gly282Asp (NM_012343.4); short protein forms G151D, G282D.
Identifiers: ClinVar variation 2174608 (VCV002174608.5), dbSNP rs1750473799, ClinGen allele CA359670022.